The following is an entry in ClinVar:

ClinVar aggregate classification (germline): Uncertain significance. Review status: criteria provided, multiple submitters, no conflicts (2 of 4 stars). 2 submissions from 2 submitters: Uncertain significance (2). Last evaluated 2024-09-30.

Conditions:
Inborn genetic diseases. Identifiers: MedGen C0950123, MeSH D030342.
TBC1D1-related disorder. Also called: TBC1D1-related condition.

Allele frequency attached by ClinVar (database versions not stated): gnomAD 0.00001; TOPMed 0.00002; gnomAD exomes 0.00003.
gnomAD v4.1: 19 of 1,613,360 alleles (0.0012%); highest among the groups gnomAD compares: Admixed American, 0.032%; no homozygotes.

Submissions (2):

Ambry Genetics
Classification: Uncertain significance for Inborn genetic diseases. Last evaluated: 2024-09-30. Review status: criteria provided, single submitter. Criteria: Ambry Variant Classification Scheme 2023. Collection method: clinical testing. Allele origin: germline.

PreventionGenetics, part of Exact Sciences
Classification: Uncertain significance for TBC1D1-related condition. Last evaluated: 2022-10-03. Review status: criteria provided, single submitter. Criteria: ACMG Guidelines, 2015. Collection method: clinical testing. Allele origin: germline.
Comment: The TBC1D1 c.370C>T variant is predicted to result in the amino acid substitution p.His124Tyr. To our knowledge, this variant has not been reported in the literature. This variant is reported in 0.023% of alleles in individuals of Latino descent in gnomAD. At this time, the clinical significance of this variant is uncertain due to the absence of conclusive functional and genetic evidence.

NM_001396959.1(TBC1D1):c.370C>T (p.His124Tyr)

Gene: TBC1D1 (TBC1 domain family member 1; plus strand). Cytogenetic location: 4p14.
Variant type: single nucleotide variant.
Coding change: c.370C>T on transcript NM_001396959.1 (MANE Select); coding-DNA position 370, C replaced by T.
Protein change: p.His124Tyr; replaces histidine 124 with tyrosine.
Molecular consequence: missense variant.
Genome position (GRCh38, 1-based): chr4:37,902,465, C>T. VCF-style: chr4-37902465-C-T. GRCh37 (hg19) VCF-style: chr4-37904086-C-T.
Other names: c.370C>T, p.His124Tyr (NM_001253912.2, NM_015173.4); c.370C>T (NM_015173.2); short protein forms H124Y.
Identifiers: ClinVar variation 2628911 (VCV002628911.2), dbSNP rs1334206972, ClinGen allele CA356557471.